The following is an entry in ClinVar:

NM_001040142.2(SCN2A):c.3521-3T>C

Gene: SCN2A (sodium voltage-gated channel alpha subunit 2; plus strand). Cytogenetic location: 2q24.3.
Variant type: single nucleotide variant.
Coding change: c.3521-3T>C on transcript NM_001040142.2 (MANE Select); 3 bases into the intron before coding-DNA position 3521, T replaced by C.
Molecular consequence: intron variant.
Genome position (GRCh38, 1-based): chr2:165,367,214, T>C. VCF-style: chr2-165367214-T-C. GRCh37 (hg19) VCF-style: chr2-166223724-T-C.
Other names: c.3521-3T>C (NM_001040143.2, NM_001371246.1, NM_001371247.1 and 1 more transcripts).
Identifiers: ClinVar variation 2221381 (VCV002221381.2), dbSNP rs2468069886, ClinGen allele CA2580064225.
Genomic context (GRCh38, chr2:165,367,214, plus strand): 5'-CAACACAAATATACCTAATCAAAGAGTAATTTTTTGTCTTCATTTTTTTCCCACATATTT[T>C]AGACTGTGTACGGAAGTTCAAGTGTTGTCAGATAAGCATAGAAGAAGGCAAAGGGAAACT-3'

ClinVar aggregate classification (germline): Uncertain significance (1 of 4 stars; one submission).

Conditions:
Inborn genetic diseases. Identifiers: MedGen C0950123, MeSH D030342.

Submission:

Ambry Genetics
Classification: Uncertain significance for Inborn genetic diseases. Last evaluated: 2021-09-17. Review status: criteria provided, single submitter. Criteria: Ambry Variant Classification Scheme 2023. Collection method: clinical testing. Allele origin: germline.
Comment: The c.3521-3T>C intronic alteration consists of a T to C substitution 3 nucleotides before exon 19 (coding exon 18) of the SCN2A gene. Based on insufficient or conflicting evidence, the clinical significance of this alteration remains unclear.